The following is an entry in ClinVar:

ClinVar aggregate classification (germline): Uncertain significance. Review status: criteria provided, multiple submitters, no conflicts (2 of 4 stars). 2 submissions from 2 submitters: Uncertain significance (2). Last evaluated 2023-07-10.

Conditions:
Hereditary hemorrhagic telangiectasia (HHT). Also called: ORW DISEASE; Osler Weber Rendu syndrome; OSLER-RENDU-WEBER DISEASE; Osler hemorrhagic telangiectasia syndrome. Identifiers: Orphanet 774, MedGen C0039445, MONDO:0019180. Disease mechanism: loss of function.

Allele frequency attached by ClinVar (database versions not stated): gnomAD exomes below 0.00001; TOPMed below 0.00001.
gnomAD v4.1: 3 of 1,614,276 alleles (0.00019%); highest among the groups gnomAD compares: Non-Finnish European, 0.00017%; no homozygotes.

Submissions (2):

Labcorp Genetics (formerly Invitae), Labcorp
Classification: Uncertain significance for Hereditary hemorrhagic telangiectasia. Last evaluated: 2023-07-10. Review status: criteria provided, single submitter. Criteria: Invitae Variant Classification Sherloc (09022015). Collection method: clinical testing. Allele origin: germline.
Comment: In summary, the available evidence is currently insufficient to determine the role of this variant in disease. Therefore, it has been classified as a Variant of Uncertain Significance. Advanced modeling of protein sequence and biophysical properties (such as structural, functional, and spatial information, amino acid conservation, physicochemical variation, residue mobility, and thermodynamic stability) has been performed at Invitae for this missense variant, however the output from this modeling did not meet the statistical confidence thresholds required to predict the impact of this variant on ENG protein function. ClinVar contains an entry for this variant (Variation ID: 453051). This variant has not been reported in the literature in individuals affected with ENG-related conditions. The frequency data for this variant in the population databases is considered unreliable, as metrics indicate poor data quality at this position in the gnomAD database. This sequence change replaces threonine, which is neutral and polar, with isoleucine, which is neutral and non-polar, at codon 46 of the ENG protein (p.Thr46Ile).

GeneDx
Classification: Uncertain significance. Last evaluated: 2017-10-23. Review status: criteria provided, single submitter. Criteria: GeneDx Variant Classification (06012015). Collection method: clinical testing. Allele origin: germline. Affected: yes.
Comment: The T46I variant in the ENG gene has not been reported previously as a pathogenic variant, nor as a benign variant, to our knowledge. The T46I variant is not observed in large population cohorts (Lek et al., 2016). The T46I variant is a non-conservative amino acid substitution, which is likely to impact secondary protein structure as these residues differ in polarity, charge, size and/or other properties. This substitution occurs at a position that is conserved across species. In silico analysis predicts this variant is probably damaging to the protein structure/function. We interpret T46I as a variant of uncertain significance.

NM_001114753.3(ENG):c.137C>T (p.Thr46Ile)

Gene: ENG (endoglin; minus strand). Cytogenetic location: 9q34.11.
Variant type: single nucleotide variant.
Coding change: c.137C>T on transcript NM_001114753.3 (MANE Select); coding-DNA position 137, C replaced by T.
Protein change: p.Thr46Ile; replaces threonine 46 with isoleucine.
Molecular consequence: missense variant. On other transcripts: 5 prime UTR variant (1).
Genome position (GRCh38, 1-based): chr9:127,843,176, G>A on the plus strand (C>T on the coding strand, the complement: ENG is on the minus strand). VCF-style: chr9-127843176-G-A. GRCh37 (hg19) VCF-style: chr9-130605455-G-A.
Other names: c.137C>T, p.Thr46Ile (NM_000118.4, NM_001406715.1); c.-410C>T (NM_001278138.2); short protein forms T46I.
Identifiers: ClinVar variation 453051 (VCV000453051.13), dbSNP rs1393437924, ClinGen allele CA374989071.